The following is an entry in ClinVar:

ClinVar aggregate classification (germline): Pathogenic. Review status: criteria provided, multiple submitters, no conflicts (2 of 4 stars). 2 submissions from 2 submitters: Pathogenic (2). Last evaluated 2025-07-13.

Conditions:
Deficiency of acetyl-CoA acetyltransferase. Also called: MITOCHONDRIAL ACETOACETYL-CoA THIOLASE DEFICIENCY; Beta-ketothiolase deficiency; 3-KETOTHIOLASE DEFICIENCY; 3-OXOTHIOLASE DEFICIENCY. Identifiers: Orphanet 134, MedGen C1536500, MONDO:0008760, OMIM 203750. Disease mechanism: loss of function.

Submissions (2):

Myriad Genetics, Inc.
Classification: Pathogenic for Deficiency of acetyl-CoA acetyltransferase. Last evaluated: 2025-07-13. Review status: criteria provided, single submitter. Criteria: Myriad Autosomal Dominant, Autosomal Recessive and X-Linked Classification Criteria (2023). Collection method: clinical testing. Allele origin: unknown.
Comment: NM_000019.3(ACAT1):c.462_482del21ins5(E154Dfs*4) is expected to be pathogenic in the context of beta-ketothiolase deficiency. This variant is predicted to lead to an abnormal or absent protein product due to the creation of a premature termination codon in ACAT1, a gene where loss-of-function variants are known to be pathogenic. Please note: this variant was assessed in the context of healthy population screening.

Department of Pediatrics, Gifu University
Classification: Pathogenic for Deficiency of acetyl-CoA acetyltransferase. Last evaluated: 2019-05-05. Review status: criteria provided, single submitter. Criteria: ACMG Guidelines, 2015. Collection method: research. Allele origin: germline. Affected: yes. Observed: 1 variant allele.

Literature cited by the submitters: PubMed 31268215 (cited by Department of Pediatrics, Gifu University).

NM_000019.4(ACAT1):c.462_482delinsTCCTC (p.Glu154fs)

Gene: ACAT1 (acetyl-CoA acetyltransferase 1; plus strand). Cytogenetic location: 11q22.3.
Variant type: Indel.
Coding change: c.462_482delinsTCCTC on transcript NM_000019.4 (MANE Select); coding-DNA positions 462 to 482, GAGCATGTCCAATGTTCCATA replaced by TCCTC.
Protein change: p.Glu154fs; shifts the reading frame from glutamic acid 154.
Molecular consequence: frameshift variant.
Genome position (GRCh38, 1-based): chr11:108,138,924-108,138,944, GAGCATGTCCAATGTTCCATA replaced by TCCTC. VCF-style: chr11-108138924-GAGCATGTCCAATGTTCCATA-TCCTC. GRCh37 (hg19) VCF-style: chr11-108009651-GAGCATGTCCAATGTTCCATA-TCCTC.
Other names: short protein forms E154fs.
Identifiers: ClinVar variation 666486 (VCV000666486.2), dbSNP rs1591367422, ClinGen allele CA915947691.